The following is an entry in ClinVar:

ClinVar aggregate classification (germline): Uncertain significance. Review status: criteria provided, multiple submitters, no conflicts (2 of 4 stars). 2 submissions from 2 submitters: Uncertain significance (2). Last evaluated 2024-01-31.

Conditions:
Achondrogenesis, type IA (ACG1A). Identifiers: Orphanet 932, Orphanet 93299, MedGen C0265273, MONDO:0008701, OMIM 200600.

Allele frequency attached by ClinVar (database versions not stated): gnomAD exomes below 0.00001 and 0.00001; TOPMed below 0.00001; gnomAD 0.00001; ExAC 0.00002.
gnomAD v4.1: 8 of 1,594,858 alleles (0.0005%); highest among the groups gnomAD compares: East Asian, 0.0045%; no homozygotes.

Submissions (2):

ARUP Laboratories, Molecular Genetics and Genomics, ARUP Laboratories
Classification: Uncertain significance. Last evaluated: 2024-01-31. Review status: criteria provided, single submitter. Criteria: ARUP Molecular Germline Variant Investigation Process 2024. Collection method: clinical testing. Allele origin: germline.
Comment: The TRIP11 c.911C>T; p.Ser304Phe variant (rs779061616), to our knowledge, is not reported in the medical literature but is reported in ClinVar (Variation ID: 1408177). This variant is only observed on three alleles in the Genome Aggregation Database (v2.1.1), indicating it is not a common polymorphism. Computational analyses predict that this variant is neutral (REVEL: 0.105). However, given the lack of clinical and functional data, the significance of this variant is uncertain at this time.

Labcorp Genetics (formerly Invitae), Labcorp
Classification: Uncertain significance for Achondrogenesis, type IA. Last evaluated: 2022-07-17. Review status: criteria provided, single submitter. Criteria: Invitae Variant Classification Sherloc (09022015). Collection method: clinical testing. Allele origin: germline.
Comment: This sequence change replaces serine, which is neutral and polar, with phenylalanine, which is neutral and non-polar, at codon 304 of the TRIP11 protein (p.Ser304Phe). This variant is present in population databases (rs779061616, gnomAD 0.02%). This variant has not been reported in the literature in individuals affected with TRIP11-related conditions. ClinVar contains an entry for this variant (Variation ID: 1408177). Algorithms developed to predict the effect of missense changes on protein structure and function are either unavailable or do not agree on the potential impact of this missense change (SIFT: "Not Available"; PolyPhen-2: "Possibly Damaging"; Align-GVGD: "Not Available"). In summary, the available evidence is currently insufficient to determine the role of this variant in disease. Therefore, it has been classified as a Variant of Uncertain Significance.

NM_004239.4(TRIP11):c.911C>T (p.Ser304Phe)

Gene: TRIP11 (thyroid hormone receptor interactor 11; minus strand). Cytogenetic location: 14q32.12.
Variant type: single nucleotide variant.
Coding change: c.911C>T on transcript NM_004239.4 (MANE Select); coding-DNA position 911, C replaced by T.
Protein change: p.Ser304Phe; replaces serine 304 with phenylalanine.
Molecular consequence: missense variant.
Genome position (GRCh38, 1-based): chr14:92,014,490, G>A on the plus strand (C>T on the coding strand, the complement: TRIP11 is on the minus strand). VCF-style: chr14-92014490-G-A. GRCh37 (hg19) VCF-style: chr14-92480834-G-A.
Other names: c.908C>T, p.Ser303Phe (NM_001321851.1); short protein forms S303F, S304F.
Identifiers: ClinVar variation 1408177 (VCV001408177.8), dbSNP rs779061616, ClinGen allele CA7314056.